The following is an entry in ClinVar:

NM_001374736.1(DST):c.12484G>A (p.Ala4162Thr)

Genes: DST (dystonin; minus strand), LOC129996656 (ATAC-STARR-seq lymphoblastoid active region 24702; plus strand). Cytogenetic location: 6p12.1.
Variant type: single nucleotide variant.
Coding change: c.12484G>A on transcript NM_001374736.1 (MANE Select); coding-DNA position 12484, G replaced by A.
Protein change: p.Ala4162Thr; replaces alanine 4162 with threonine.
Molecular consequence: missense variant.
Genome position (GRCh38, 1-based): chr6:56,593,905, C>T on the plus strand (G>A on the coding strand, the complement: DST is on the minus strand). VCF-style: chr6-56593905-C-T. GRCh37 (hg19) VCF-style: chr6-56458703-C-T.
Other names: c.6127G>A, p.Ala2043Thr (NM_001144769.5); c.5713G>A, p.Ala1905Thr (NM_001144770.2); c.12484G>A, p.Ala4162Thr (NM_001374722.1); c.11851G>A, p.Ala3951Thr (NM_001374729.1); c.5593G>A, p.Ala1865Thr (NM_001374730.1, NM_001386100.1, NM_183380.4); c.12511G>A, p.Ala4171Thr (NM_001374734.1); c.4615G>A, p.Ala1539Thr (NM_015548.5); short protein forms A4162T, A2043T, A1905T, A1539T, A1865T, A3951T, A4171T.
Identifiers: ClinVar variation 1042207 (VCV001042207.7), dbSNP rs141048754, ClinGen allele CA3868445.
Genomic context (GRCh38, chr6:56,593,905, plus strand): 5'-CTGAGAAACTCTTCTGCCTCTTCAATTTGGTCATTAAACCATTGATGTCATCTGCACCTG[C>T]CTCCAGGTTTTCAAGTTCTTGTTCTGACTGCTGTAGCCAGTGCTCAAACTCGGTATAGTC-3'
Protein context (NP_001361665.1, residues 4152-4172): QSEQELENLE[Ala4162Thr]GADDINGLMT

ClinVar aggregate classification (germline): Uncertain significance. Review status: criteria provided, multiple submitters, no conflicts (2 of 4 stars). 2 submissions from 2 submitters: Uncertain significance (2). Last evaluated 2025-10-29.

Conditions:
Hereditary sensory and autonomic neuropathy type 6. Also called: Neuropathy, hereditary sensory and autonomic, type VI; HSAN VI. Identifiers: Orphanet 314381, MedGen C3539003, MONDO:0013839, OMIM 614653.
Epidermolysis bullosa simplex 3, localized or generalized intermediate, with BP230 deficiency (EBS3). Also called: Epidermolysis bullosa simplex due to BP230 deficiency; Epidermolysis bullosa simplex, autosomal recessive 2. Identifiers: Orphanet 412181, MedGen C3809470, MONDO:0014180, OMIM 615425.

Allele frequency attached by ClinVar (database versions not stated): gnomAD exomes 0.00004 and 0.00009; ExAC 0.00014; ESP Exome Variant Server 0.00016; gnomAD 0.00034 and 0.00036; TOPMed 0.00037; 1000 Genomes Project 30x 0.00109; 1000 Genomes Project 0.00140.
gnomAD v4.1: 127 of 1,613,756 alleles (0.0079%); highest among the groups gnomAD compares: African/African-American, 0.14%; 1 homozygote.

Submissions (2):

Labcorp Genetics (formerly Invitae), Labcorp
Classification: Uncertain significance for Epidermolysis bullosa simplex 3, localized or generalized intermediate, with BP230 deficiency; Hereditary sensory and autonomic neuropathy type 6. Last evaluated: 2025-10-29. Review status: criteria provided, single submitter. Criteria: Invitae Variant Classification Sherloc (09022015). Collection method: clinical testing. Allele origin: germline.
Comment: The DST gene has multiple clinically relevant transcripts. This variant occurs in alternate transcript NM_015548.4, and corresponds to NM_001723.5:c.*21612G>A in the primary transcript. This sequence change replaces alanine, which is neutral and non-polar, with threonine, which is neutral and polar, at codon 1539 of the DST protein (p.Ala1539Thr). This variant is present in population databases (rs141048754, gnomAD 0.1%). This variant has not been reported in the literature in individuals affected with DST-related conditions. ClinVar contains an entry for this variant (Variation ID: 1042207). Experimental studies and prediction algorithms are not available or were not evaluated, and the functional significance of this variant is currently unknown. In summary, the available evidence is currently insufficient to determine the role of this variant in disease. Therefore, it has been classified as a Variant of Uncertain Significance.

Blueprint Genetics
Classification: Uncertain significance. Last evaluated: 2022-11-28. Review status: criteria provided, single submitter. Criteria: ACMG Guidelines, 2015. Collection method: clinical testing. Allele origin: germline.